The following is an entry in ClinVar:

ClinVar aggregate classification (germline): Pathogenic (1 of 4 stars; one submission).

Conditions:
Intellectual developmental disorder with language impairment and early-onset DOPA-responsive dystonia-parkinsonism (IDLDP). Identifiers: Orphanet 660017, MedGen C5677001, MONDO:0859257, OMIM 619911.

Submission:

Greenwood Genetic Center Diagnostic Laboratories, Greenwood Genetic Center
Classification: Pathogenic for Intellectual developmental disorder with language impairment and early-onset DOPA-responsive dystonia-parkinsonism. Last evaluated: 2022-07-12. Review status: criteria provided, single submitter. Criteria: ACMG Guidelines, 2015. Collection method: clinical testing. Allele origin: germline. Affected: yes.
Comment: PVS1, PS2, PM2

NM_006186.4(NR4A2):c.698del (p.Pro233fs)

Gene: NR4A2 (nuclear receptor subfamily 4 group A member 2; minus strand). Cytogenetic location: 2q24.1.
Variant type: Deletion.
Coding change: c.698del on transcript NM_006186.4 (MANE Select); coding-DNA position 698, one base deleted (C; older notation c.698delC).
Protein change: p.Pro233fs; shifts the reading frame from proline 233.
Molecular consequence: frameshift variant.
Genome position (GRCh38, 1-based): chr2:156,329,489, G deleted on the plus strand (C on the coding strand, the reverse complement: NR4A2 is on the minus strand); the first of 3 consecutive G bases (chr2:156,329,489-156,329,491); deleting any one gives the same sequence. VCF-style (leftmost placement, unchanged base first): chr2-156329488-CG-C. GRCh37 (hg19) VCF-style: chr2-157186000-CG-C.
Other names: c.509del, p.Pro170fs (NM_173173.3); short protein forms P170fs, P233fs.
Identifiers: ClinVar variation 1710386 (VCV001710386.3), dbSNP rs2468286796, ClinGen allele CA2580064099.